The following is an entry in ClinVar:

NM_018671.5(UNC45A):c.1084G>C (p.Ala362Pro)

Gene: UNC45A (unc-45 myosin chaperone A; plus strand). Cytogenetic location: 15q26.1.
Variant type: single nucleotide variant.
Coding change: c.1084G>C on transcript NM_018671.5 (MANE Select); coding-DNA position 1084, G replaced by C.
Protein change: p.Ala362Pro; replaces alanine 362 with proline.
Molecular consequence: missense variant.
Genome position (GRCh38, 1-based): chr15:90,944,948, G>C. VCF-style: chr15-90944948-G-C. GRCh37 (hg19) VCF-style: chr15-91488178-G-C.
Other names: c.1039G>C, p.Ala347Pro (NM_001039675.2, NM_001323621.2); c.1084G>C, p.Ala362Pro (NM_001323619.1); c.649G>C, p.Ala217Pro (NM_001323620.2); short protein forms A217P, A347P, A362P.
Identifiers: ClinVar variation 2188676 (VCV002188676.4), dbSNP rs144297073, ClinGen allele CA274745376.
Genomic context (GRCh38, chr15:90,944,948, plus strand): 5'-ACAGGTCTGAAAAAGATTTTGGAAGTGGGGGGCTCTCTACAGGACCCTCCTGGGGAGCTC[G>C]CAGTGACCGCAAACAGCCGCATGAGCGCCTCTATTCTCCTCAGCAAGCTCTTTGATGACC-3'
Protein context (NP_061141.2, residues 352-372): GSLQDPPGEL[Ala362Pro]VTANSRMSAS

ClinVar aggregate classification (germline): Uncertain significance (1 of 4 stars; one submission).

Allele frequency attached by ClinVar (database versions not stated): ESP Exome Variant Server 0.00008.
gnomAD v4.1: 3 of 1,612,584 alleles (0.00019%); highest among the groups gnomAD compares: Non-Finnish European, 0.00025%; no homozygotes.

Submission:

Labcorp Genetics (formerly Invitae), Labcorp
Classification: Uncertain significance. Last evaluated: 2022-02-09. Review status: criteria provided, single submitter. Criteria: Invitae Variant Classification Sherloc (09022015). Collection method: clinical testing. Allele origin: germline.
Comment: This sequence change replaces alanine, which is neutral and non-polar, with proline, which is neutral and non-polar, at codon 362 of the UNC45A protein (p.Ala362Pro). In summary, the available evidence is currently insufficient to determine the role of this variant in disease. Therefore, it has been classified as a Variant of Uncertain Significance. Algorithms developed to predict the effect of missense changes on protein structure and function are either unavailable or do not agree on the potential impact of this missense change (SIFT: "Not Available"; PolyPhen-2: "Benign"; Align-GVGD: "Not Available"). This variant has not been reported in the literature in individuals affected with UNC45A-related conditions. This variant is present in population databases (rs144297073, gnomAD 0.0009%).